The following is an entry in ClinVar:

NM_152419.3(HGSNAT):c.1378-2A>G

Gene: HGSNAT (heparan-alpha-glucosaminide N-acetyltransferase; plus strand). Cytogenetic location: 8p11.21.
Variant type: single nucleotide variant.
Coding change: c.1378-2A>G on transcript NM_152419.3 (MANE Select); the canonical splice acceptor site of the intron before coding-DNA position 1378, A replaced by G.
Molecular consequence: splice acceptor variant.
Genome position (GRCh38, 1-based): chr8:43,193,755, A>G. VCF-style: chr8-43193755-A-G. GRCh37 (hg19) VCF-style: chr8-43048898-A-G.
Other names: c.1378-2A>G (NM_001363227.2); c.514-2A>G (NM_001363229.2); c.1186-2A>G (NM_001363228.2).
Identifiers: ClinVar variation 1474874 (VCV001474874.6), dbSNP rs2130810560, ClinGen allele CA371119803.

ClinVar aggregate classification (germline): Likely pathogenic (1 of 4 stars; one submission).

Conditions:
Mucopolysaccharidosis, MPS-III-C (MPS3C). Also called: SANFILIPPO SYNDROME C; MPS III C; MPS IIIC (Sanfilippo Syndrome Type C); MUCOPOLYSACCHARIDOSIS, TYPE IIIC; Mucopolysaccharidosis type IIIC (Sanfilippo C); mucopolysaccharidosis type 3C. Identifiers: Orphanet 581, Orphanet 79271, MedGen C0086649, MONDO:0009657, OMIM 252930.
Retinitis pigmentosa 73 (RP73). Identifiers: Orphanet 791, MedGen C4225287, MONDO:0014687, OMIM 616544.

Submission:

Labcorp Genetics (formerly Invitae), Labcorp
Classification: Likely pathogenic for Retinitis pigmentosa 73; Mucopolysaccharidosis, MPS-III-C. Last evaluated: 2021-11-12. Review status: criteria provided, single submitter. Criteria: Invitae Variant Classification Sherloc (09022015). Collection method: clinical testing. Allele origin: germline.
Comment: In summary, the currently available evidence indicates that the variant is pathogenic, but additional data are needed to prove that conclusively. Therefore, this variant has been classified as Likely Pathogenic. Algorithms developed to predict the effect of sequence changes on RNA splicing suggest that this variant may disrupt the consensus splice site. This variant has not been reported in the literature in individuals affected with HGSNAT-related conditions. This variant is not present in population databases (gnomAD no frequency). This sequence change affects an acceptor splice site in intron 13 of the HGSNAT gene. It is expected to disrupt RNA splicing. Variants that disrupt the donor or acceptor splice site typically lead to a loss of protein function (PMID: 16199547), and loss-of-function variants in HGSNAT are known to be pathogenic (PMID: 17033958, 19479962).

Literature cited by the submitters: PubMed 16199547; PubMed 17033958; PubMed 19479962.